The following is an entry in ClinVar:

NM_033380.3(COL4A5):c.547G>A (p.Gly183Ser)

Gene: COL4A5 (collagen type IV alpha 5 chain; plus strand). Cytogenetic location: Xq22.3.
Variant type: single nucleotide variant.
Coding change: c.547G>A on transcript NM_033380.3 (MANE Select); coding-DNA position 547, G replaced by A.
Protein change: p.Gly183Ser; replaces glycine 183 with serine.
Molecular consequence: missense variant.
Genome position (GRCh38, 1-based): chrX:108,575,910, G>A. VCF-style: chrX-108575910-G-A. GRCh37 (hg19) VCF-style: chrX-107819140-G-A.
Other names: c.547G>A, p.Gly183Ser (NM_000495.5); short protein forms G183S.
Identifiers: ClinVar variation 438706 (VCV000438706.6), dbSNP rs1556404985, ClinGen allele CA413921871.

ClinVar aggregate classification (germline): Likely pathogenic. Review status: criteria provided, single submitter (1 of 4 stars). 2 submissions from 2 submitters: Likely pathogenic (1). 1 of the submissions does not count toward it. Last evaluated 2025-09-30.

Conditions:
X-linked Alport syndrome (ATS1). Also called: COL4A5-Related Nephropathy; NEPHROPATHY AND DEAFNESS, X-LINKED. Identifiers: Orphanet 63, Orphanet 88917, MedGen C4746986, MONDO:0010520, OMIM 301050.

Allele frequency attached by ClinVar (database versions not stated): gnomAD exomes below 0.00001.
gnomAD v4.1: 1 of 1,167,114 alleles (0.000086%); highest among the groups gnomAD compares: Non-Finnish European, 0.00012%; no homozygotes.

Submissions (2):

Labcorp Genetics (formerly Invitae), Labcorp
Classification: Likely pathogenic. Last evaluated: 2025-09-30. Review status: criteria provided, single submitter. Criteria: Invitae Variant Classification Sherloc (09022015). Collection method: clinical testing. Allele origin: germline.
Comment: This sequence change replaces glycine, which is neutral and non-polar, with serine, which is neutral and polar, at codon 183 of the COL4A5 protein (p.Gly183Ser). This variant is not present in population databases (gnomAD no frequency). This variant has not been reported in the literature in individuals affected with COL4A5-related conditions. ClinVar contains an entry for this variant (Variation ID: 438706). Experimental studies and prediction algorithms are not available or were not evaluated, and the functional significance of this variant is currently unknown. This variant disrupts the triple helix domain of COL4A5. Glycine residues within the Gly-Xaa-Yaa repeats of the triple helix domain are required for the structure and stability of fibrillar collagens (PMID: 7695699, 8218237, 19344236). In COL4A5, missense variants at these glycine residues are significantly enriched in individuals with disease (PMID: 23720012, 27627812) compared to the general population (ExAC). In summary, the currently available evidence indicates that the variant is pathogenic, but additional data are needed to prove that conclusively. Therefore, this variant has been classified as Likely Pathogenic.

Bioscientia Institut fuer Medizinische Diagnostik GmbH, Sonic Healthcare
Classification: Likely pathogenic for X-linked Alport syndrome. Last evaluated: 2017-04-20. Review status: no assertion criteria provided. Collection method: clinical testing. Allele origin: germline. Affected: yes. Not counted in ClinVar's aggregate classification.

Literature cited by the submitters: PubMed 7695699 (cited by Labcorp Genetics (formerly Invitae), Labcorp); PubMed 8218237 (cited by Labcorp Genetics (formerly Invitae), Labcorp); PubMed 19344236 (cited by Labcorp Genetics (formerly Invitae), Labcorp); PubMed 23720012 (cited by Labcorp Genetics (formerly Invitae), Labcorp); PubMed 27627812 (cited by Labcorp Genetics (formerly Invitae), Labcorp).